The following is an entry in ClinVar:

NM_020911.2(PLXNA4):c.2040C>T (p.Val680=)

Gene: PLXNA4 (plexin A4; minus strand). Cytogenetic location: 7q32.3.
Variant type: single nucleotide variant.
Coding change: c.2040C>T on transcript NM_020911.2 (MANE Select); coding-DNA position 2040, C replaced by T.
Protein change: p.Val680=; no amino-acid change (valine 680 retained).
Molecular consequence: synonymous variant.
Genome position (GRCh38, 1-based): chr7:132,223,584, G>A on the plus strand (C>T on the coding strand, the complement: PLXNA4 is on the minus strand). VCF-style: chr7-132223584-G-A. GRCh37 (hg19) VCF-style: chr7-131908343-G-A.
Other names: c.2040C>T, p.Val680= (NM_001393897.1).
Identifiers: ClinVar variation 3354623 (VCV003354623.1).
Genomic context (GRCh38, chr7:132,223,584, plus strand): 5'-TACCTCGGGCAGCTTCACTCGGCCTTCCTGGAAGGAGCAGGTCTTGGGGTCATGGGTGCA[G>A]ACATGCCGGTATTTACACCAGTGGCAGCGGTATGGACTCTCCACGCAGGACAGGCACCTG-3'
Protein context (NP_065962.1, residues 670-690): YRCHWCKYRH[Val680=]CTHDPKTCSF

ClinVar aggregate classification (germline): Likely benign (0 of 4 stars; one submission).

Conditions:
PLXNA4-related disorder. Also called: PLXNA4-related condition.

gnomAD v4.1: 8 of 1,613,774 alleles (0.0005%); highest among the groups gnomAD compares: African/African-American, 0.0027%; no homozygotes.

Submission:

PreventionGenetics, part of Exact Sciences
Classification: Likely benign for PLXNA4-related condition. Last evaluated: 2022-05-26. Review status: no assertion criteria provided. Collection method: clinical testing. Allele origin: germline.
Comment: This variant is classified as likely benign based on ACMG/AMP sequence variant interpretation guidelines (Richards et al. 2015 PMID: 25741868, with internal and published modifications).